The following is an entry in ClinVar:

ClinVar aggregate classification (germline): Uncertain significance (1 of 4 stars; one submission).

Submission:

Women's Health and Genetics/Laboratory Corporation of America, LabCorp
Classification: Uncertain significance. Last evaluated: 2025-11-24. Review status: criteria provided, single submitter. Criteria: LabCorp Variant Classification Summary - May 2015. Collection method: clinical testing. Allele origin: germline.
Comment: Variant summary: TTN c.29155+6T>C alters a nucleotide located close to a canonical splice site and therefore could affect mRNA splicing, leading to a significantly altered protein sequence. Consensus agreement among computation tools predict no significant impact on normal splicing. However, these predictions have yet to be confirmed by functional studies. The variant was absent in 1532624 control chromosomes. The available data on variant occurrences in the general population are insufficient to allow any conclusion about variant significance. To our knowledge, no occurrence of c.29155+6T>C in individuals affected with TTN-related conditions and no experimental evidence demonstrating its impact on protein function have been reported. No submitters have cited clinical-significance assessments for this variant to ClinVar. Based on the evidence outlined above, the variant was classified as uncertain significance.

NM_001267550.2(TTN):c.32887+6T>C

Gene: TTN (titin; minus strand). Cytogenetic location: 2q31.2.
Variant type: single nucleotide variant.
Coding change: c.32887+6T>C on transcript NM_001267550.2 (MANE Select); 6 bases into the intron after coding-DNA position 32887, T replaced by C.
Molecular consequence: intron variant.
Genome position (GRCh38, 1-based): chr2:178,683,205, A>G on the plus strand (T>C on the coding strand, the complement: TTN is on the minus strand). VCF-style: chr2-178683205-A-G. GRCh37 (hg19) VCF-style: chr2-179547932-A-G.
Other names: c.13283-40888T>C (NM_003319.4); c.13859-40888T>C (NM_133437.4); c.13658-40888T>C (NM_133432.3); c.29155+6T>C (NM_133378.4); c.31936+6T>C (NM_001256850.1).
Identifiers: ClinVar variation 4537252 (VCV004537252.1).